The following is an entry in ClinVar:

NM_001378778.1(MPDZ):c.369T>A (p.Asp123Glu)

Gene: MPDZ (multiple PDZ domain crumbs cell polarity complex component; minus strand). Cytogenetic location: 9p23.
Variant type: single nucleotide variant.
Coding change: c.369T>A on transcript NM_001378778.1 (MANE Select); coding-DNA position 369, T replaced by A.
Protein change: p.Asp123Glu; replaces aspartic acid 123 with glutamic acid.
Molecular consequence: missense variant.
Genome position (GRCh38, 1-based): chr9:13,224,398, A>T on the plus strand (T>A on the coding strand, the complement: MPDZ is on the minus strand). VCF-style: chr9-13224398-A-T. GRCh37 (hg19) VCF-style: chr9-13224397-A-T.
Other names: c.369T>A, p.Asp123Glu (NM_001261406.2, NM_001261407.2, NM_001330637.2 and 14 more transcripts); short protein forms D123E.
Identifiers: ClinVar variation 1371127 (VCV001371127.6), dbSNP rs773789064, ClinGen allele CA4988144.

ClinVar aggregate classification (germline): Uncertain significance (1 of 4 stars; one submission).

Allele frequency attached by ClinVar (database versions not stated): gnomAD exomes below 0.00001; ExAC 0.00001; gnomAD 0.00001.
gnomAD v4.1: 5 of 1,612,466 alleles (0.00031%); highest among the groups gnomAD compares: Non-Finnish European, 0.00042%; no homozygotes.

Submission:

Labcorp Genetics (formerly Invitae), Labcorp
Classification: Uncertain significance. Last evaluated: 2022-03-29. Review status: criteria provided, single submitter. Criteria: Invitae Variant Classification Sherloc (09022015). Collection method: clinical testing. Allele origin: germline.
Comment: In summary, the available evidence is currently insufficient to determine the role of this variant in disease. Therefore, it has been classified as a Variant of Uncertain Significance. Algorithms developed to predict the effect of missense changes on protein structure and function output the following: SIFT: "Tolerated"; PolyPhen-2: "Benign"; Align-GVGD: "Class C0". The glutamic acid amino acid residue is found in multiple mammalian species, which suggests that this missense change does not adversely affect protein function. This variant has not been reported in the literature in individuals affected with MPDZ-related conditions. This variant is present in population databases (rs773789064, gnomAD 0.002%). This sequence change replaces aspartic acid, which is acidic and polar, with glutamic acid, which is acidic and polar, at codon 123 of the MPDZ protein (p.Asp123Glu).